The following is an entry in ClinVar:

ClinVar aggregate classification (germline): Uncertain significance. Review status: criteria provided, multiple submitters, no conflicts (2 of 4 stars). 2 submissions from 2 submitters: Uncertain significance (2). Last evaluated 2024-08-29.

Conditions:
Intellectual developmental disorder with dysmorphic facies and behavioral abnormalities. Identifiers: MedGen C4748135, MONDO:0060760, OMIM 618089.

Submissions (2):

3billion
Classification: Uncertain significance for Intellectual developmental disorder with dysmorphic facies and behavioral abnormalities. Last evaluated: 2024-08-29. Review status: criteria provided, single submitter. Criteria: ACMG Guidelines, 2015. Collection method: clinical testing. Allele origin: germline. Affected: yes.
Comment: The variant is not observed in the gnomAD v4.1.0 dataset. Predicted Consequence/Location: Missense variant In silico tool predictions suggest damaging effect of the variant on gene or gene product [REVEL: 0.85 (>=0.6, sensitivity 0.68 and specificity 0.92); 3Cnet: 0.87 (>=0.6, sensitivity 0.72 and precision 0.9)]. The variant has been reported as of uncertain significance (ClinVar ID: VCV002431534). Therefore, this variant is classified as VUS according to the recommendation of ACMG/AMP guideline.

Laboratorio de Genetica e Diagnostico Molecular, Hospital Israelita Albert Einstein
Classification: Uncertain significance for Intellectual developmental disorder with dysmorphic facies and behavioral abnormalities. Last evaluated: 2022-05-16. Review status: criteria provided, single submitter. Criteria: ACMG Guidelines, 2015. Collection method: clinical testing. Allele origin: germline. Affected: yes. Observed: 1 variant allele.
Comment: ACMG classification criteria: PM2 moderated, PP2 supporting, PP3 supporting

NM_001190274.2(FBXO11):c.1787G>A (p.Gly596Glu)

Gene: FBXO11 (F-box protein 11; minus strand). Cytogenetic location: 2p16.3.
Variant type: single nucleotide variant.
Coding change: c.1787G>A on transcript NM_001190274.2 (MANE Select); coding-DNA position 1787, G replaced by A.
Protein change: p.Gly596Glu; replaces glycine 596 with glutamic acid.
Molecular consequence: missense variant.
Genome position (GRCh38, 1-based): chr2:47,820,372, C>T on the plus strand (G>A on the coding strand, the complement: FBXO11 is on the minus strand). VCF-style: chr2-47820372-C-T. GRCh37 (hg19) VCF-style: chr2-48047511-C-T.
Other names: c.1535G>A, p.Gly512Glu (NM_001374325.1, NM_025133.4); short protein forms G512E, G596E.
Identifiers: ClinVar variation 2431534 (VCV002431534.2), dbSNP rs2531071877, ClinGen allele CA346764223.